The following is an entry in ClinVar:

ClinVar aggregate classification (germline): Uncertain significance (1 of 4 stars; one submission).

Allele frequency attached by ClinVar (database versions not stated): ExAC 0.00001; gnomAD 0.00001; TOPMed 0.00001; gnomAD exomes 0.00006.
gnomAD v4.1: 81 of 1,600,740 alleles (0.0051%); highest among the groups gnomAD compares: Non-Finnish European, 0.0068%; no homozygotes.

Submission:

GeneDx
Classification: Uncertain significance. Last evaluated: 2022-08-10. Review status: criteria provided, single submitter. Criteria: GeneDx Variant Classification Process June 2021. Collection method: clinical testing. Allele origin: germline. Affected: yes.
Comment: Not observed at significant frequency in large population cohorts (gnomAD); In silico analysis supports that this missense variant has a deleterious effect on protein structure/function; Has not been previously published as pathogenic or benign to our knowledge

NM_018685.5(ANLN):c.127C>T (p.Pro43Ser)

Gene: ANLN (anillin, actin binding protein; plus strand). Cytogenetic location: 7p14.2.
Variant type: single nucleotide variant.
Coding change: c.127C>T on transcript NM_018685.5 (MANE Select); coding-DNA position 127, C replaced by T.
Protein change: p.Pro43Ser; replaces proline 43 with serine.
Molecular consequence: missense variant.
Genome position (GRCh38, 1-based): chr7:36,396,374, C>T. VCF-style: chr7-36396374-C-T. GRCh37 (hg19) VCF-style: chr7-36435983-C-T.
Other names: c.127C>T, p.Pro43Ser (NM_001284301.3, NM_001284302.3); short protein forms P43S.
Identifiers: ClinVar variation 2429491 (VCV002429491.1), dbSNP rs745699628, ClinGen allele CA4219264.